The following is an entry in ClinVar:

NC_000021.8:g.(?_47400663)_(47425963_?)dup

Gene: COL6A1 (collagen type VI alpha 1 chain; plus strand). Cytogenetic location: 21q22.3.
Variant type: Duplication.
Identifiers: ClinVar variation 1472052 (VCV001472052.1).

ClinVar aggregate classification (germline): Uncertain significance (1 of 4 stars; one submission).

Conditions:
Bethlem myopathy 1A. Also called: Bethlem myopathy 1; Bethlem Muscular Dystrophy; MYOPATHY, BENIGN CONGENITAL, WITH CONTRACTURES. Identifiers: Orphanet 610, MedGen CN029274, MONDO:0024530, OMIM 158810.

Submission:

Labcorp Genetics (formerly Invitae), Labcorp
Classification: Uncertain significance for Bethlem myopathy 1A. Last evaluated: 2020-11-09. Review status: criteria provided, single submitter. Criteria: Invitae Variant Classification Sherloc (09022015). Collection method: clinical testing. Allele origin: germline.
Comment: A copy number gain of the genomic region encompassing the full coding sequence of the COL6A1 gene has been identified. The boundaries of this event are unknown as they extend beyond the assayed region for this gene and therefore may encompass additional genes. As the precise location of this event is unknown, it may be in tandem or it may be located elsewhere in the genome. This variant has not been reported in the literature in individuals with COL6A1-related conditions. Experimental studies and prediction algorithms are not available or were not evaluated, and the functional significance of this variant is currently unknown. In summary, the available evidence is currently insufficient to determine the role of this variant in disease. Therefore, it has been classified as a Variant of Uncertain Significance.